The following is an entry in ClinVar:

ClinVar aggregate classification (germline): Uncertain significance. Review status: criteria provided, multiple submitters, no conflicts (2 of 4 stars). 6 submissions from 6 submitters: Uncertain significance (6). Last evaluated 2026-09-08.

Conditions:
Cardiovascular phenotype. Identifiers: MedGen CN230736.
Fabry disease. Also called: Ceramide trihexosidosis; Fabry's disease; CERAMIDE TRIHEXOSIDASE DEFICIENCY; GLA DEFICIENCY; HEREDITARY DYSTOPIC LIPIDOSIS; Angiokeratoma corporis diffusum. Identifiers: Orphanet 324, MedGen C0002986, MONDO:0010526, OMIM 301500, HP:0001071. Disease mechanism: loss of function, Fabry disease is due to inactivating mutations in the X-linked GLA gene resulting in deficiency of the enzyme Alpha Galactosidase-A..

Allele frequency attached by ClinVar (database versions not stated): ExAC 0.00001; gnomAD exomes 0.00001 and 0.00002; gnomAD 0.00002; TOPMed 0.00002; ESP Exome Variant Server 0.00019.

Submissions (6):

Genomenon, Inc
Classification: Uncertain significance for Fabry disease. Last evaluated: 2026-09-08. Review status: criteria provided, single submitter. Criteria: Genomenon Sequence Variant Interpretation Standards - Updated. Collection method: curation. Allele origin: germline. Affected: no.
Comment: GLA p.Asp153Asn (c.457G>A) is a missense variant that changes the amino acid at codon 153 from Aspartic acid to Asparagine. This variant has been reported in the published literature (PMID:37441486). It is absent or not present at a significant frequency in gnomAD. In conclusion, we classify GLA p.Asp153Asn (c.457G>A) as a variant of uncertain significance.

Labcorp Genetics (formerly Invitae), Labcorp
Classification: Uncertain significance for Fabry disease. Last evaluated: 2025-07-13. Review status: criteria provided, single submitter. Criteria: Invitae Variant Classification Sherloc (09022015). Collection method: clinical testing. Allele origin: germline.
Comment: This sequence change replaces aspartic acid, which is acidic and polar, with asparagine, which is neutral and polar, at codon 153 of the GLA protein (p.Asp153Asn). This variant is present in population databases (rs370299397, gnomAD 0.02%). This variant has not been reported in the literature in individuals affected with GLA-related conditions. ClinVar contains an entry for this variant (Variation ID: 367700). Invitae Evidence Modeling of protein sequence and biophysical properties (such as structural, functional, and spatial information, amino acid conservation, physicochemical variation, residue mobility, and thermodynamic stability) indicates that this missense variant is not expected to disrupt GLA protein function with a negative predictive value of 80%. In summary, the available evidence is currently insufficient to determine the role of this variant in disease. Therefore, it has been classified as a Variant of Uncertain Significance.

Color Diagnostics, LLC DBA Color Health
Classification: Uncertain significance for Fabry disease. Last evaluated: 2025-06-30. Review status: criteria provided, single submitter. Criteria: ACMG Guidelines, 2015. Collection method: clinical testing. Allele origin: germline.
Comment: This missense variant replaces aspartic acid with asparagine at codon 153 of the GLA protein. Computational prediction is inconclusive regarding the impact of this variant on protein structure and function. To our knowledge, functional studies have not been reported for this variant. This variant has not been reported in individuals affected with GLA-related disorders in the literature. This variant has been identified in 4/183485 chromosomes in the general population by the Genome Aggregation Database (gnomAD). The available evidence is insufficient to determine the role of this variant in disease conclusively. Therefore, this variant is classified as a Variant of Uncertain Significance.

Ambry Genetics
Classification: Uncertain significance for Cardiovascular phenotype. Last evaluated: 2025-06-11. Review status: criteria provided, single submitter. Criteria: Ambry Variant Classification Scheme 2023. Collection method: clinical testing. Allele origin: germline.
Comment: The p.D153N variant (also known as c.457G>A), located in coding exon 3 of the GLA gene, results from a G to A substitution at nucleotide position 457. The aspartic acid at codon 153 is replaced by asparagine, an amino acid with highly similar properties. Based on data from gnomAD, the A allele has an overall frequency of 0.0022% (4/183485) total alleles studied, with 1 hemizygote(s) observed. The highest observed frequency was 0.0228% (3/13161) of African/African American alleles. This amino acid position is not well conserved in available vertebrate species. In addition, the in silico prediction for this alteration is inconclusive. Based on the available evidence, the clinical significance of this variant remains unclear.

Genome-Nilou Lab
Classification: Uncertain significance for Fabry disease. Last evaluated: 2021-07-15. Review status: criteria provided, single submitter. Criteria: ACMG Guidelines, 2015. Collection method: clinical testing. Allele origin: germline. Affected: no.

GeneDx
Classification: Uncertain significance. Last evaluated: 2019-09-10. Review status: criteria provided, single submitter. Criteria: GeneDx Variant Classification Process June 2021. Collection method: clinical testing. Allele origin: germline. Affected: yes.
Comment: Has not been previously published as pathogenic or benign to our knowledge; In silico analysis, which includes protein predictors and evolutionary conservation, supports that this variant does not alter protein structure/function

Literature cited by the submitters: PubMed 37441486 (cited by Genomenon, Inc).

NM_000169.3(GLA):c.457G>A (p.Asp153Asn)

Genes: GLA (galactosidase alpha; minus strand), RPL36A-HNRNPH2 (RPL36A-HNRNPH2 readthrough; plus strand). Cytogenetic location: Xq22.1.
Variant type: single nucleotide variant.
Coding change: c.457G>A on transcript NM_000169.3 (MANE Select); coding-DNA position 457, G replaced by A.
Protein change: p.Asp153Asn; replaces aspartic acid 153 with asparagine.
Molecular consequence: missense variant. On other transcripts: non-coding transcript variant (3), intron variant (2).
Genome position (GRCh38, 1-based): chrX:101,401,722, C>T on the plus strand (G>A on the coding strand, the complement: GLA is on the minus strand). VCF-style: chrX-101401722-C-T. GRCh37 (hg19) VCF-style: chrX-100656710-C-T.
Other names: c.580G>A, p.Asp194Asn (NM_001406747.1, NM_001406749.1); c.457G>A, p.Asp153Asn (NM_001406748.1); c.300+6265C>T (NM_001199973.2); c.177+9900C>T (NM_001199974.2); short protein forms D153N, D194N.
Identifiers: ClinVar variation 367700 (VCV000367700.16), dbSNP rs370299397, ClinGen allele CA031038.
Genomic context (GRCh38, chrX:101,401,722, plus strand): 5'-AACAACCATCAAATTTTAGCAGATCTACTCCCCAGTCAGCAAAGGTCTGGGCATCAATGT[C>T]GTAGTATCCAAAACTCCCAGGGAAGCCTGCGCAGGTTTTATTTCCAACATCTGCATAAAT-3'
Protein context (NP_000160.1, residues 143-163): AGFPGSFGYY[Asp153Asn]IDAQTFADWG